The following is an entry in ClinVar:

NM_001145860.2(POP1):c.2057+3_2057+4del

Gene: POP1 (POP1 homolog, ribonuclease P/MRP subunit; plus strand). Cytogenetic location: 8q22.2.
Variant type: Deletion.
Coding change: c.2057+3_2057+4del on transcript NM_001145860.2 (MANE Select); bases 3 to 4 of the intron after coding-DNA position 2057, 2 bases deleted (AA; older notation c.2057+3_2057+4delAA).
Molecular consequence: intron variant.
Genome position (GRCh38, 1-based): chr8:98,150,642-98,150,643, AA deleted. VCF-style (leftmost placement, unchanged base first): chr8-98150641-TAA-T. GRCh37 (hg19) VCF-style: chr8-99162869-TAA-T.
Other names: c.2057+3_2057+4del (NM_001145861.2, NM_015029.3).
Identifiers: ClinVar variation 1386589 (VCV001386589.4), dbSNP rs373436489, ClinGen allele CA4820751.

ClinVar aggregate classification (germline): Uncertain significance (1 of 4 stars; one submission).

Allele frequency attached by ClinVar (database versions not stated): gnomAD exomes 0.00004 and 0.00012; ExAC 0.00014; gnomAD 0.00040 and 0.00041; TOPMed 0.00045; ESP Exome Variant Server 0.00064.

Submission:

Labcorp Genetics (formerly Invitae), Labcorp
Classification: Uncertain significance. Last evaluated: 2024-08-12. Review status: criteria provided, single submitter. Criteria: Invitae Variant Classification Sherloc (09022015). Collection method: clinical testing. Allele origin: germline.
Comment: This sequence change falls in intron 14 of the POP1 gene. It does not directly change the encoded amino acid sequence of the POP1 protein. It affects a nucleotide within the consensus splice site. This variant is present in population databases (rs373436489, gnomAD 0.2%). This variant has not been reported in the literature in individuals affected with POP1-related conditions. ClinVar contains an entry for this variant (Variation ID: 1386589). Variants that disrupt the consensus splice site are a relatively common cause of aberrant splicing (PMID: 17576681, 9536098). Algorithms developed to predict the effect of sequence changes on RNA splicing suggest that this variant is not likely to affect RNA splicing. In summary, the available evidence is currently insufficient to determine the role of this variant in disease. Therefore, it has been classified as a Variant of Uncertain Significance.

Literature cited by the submitters: PubMed 17576681; PubMed 9536098.